The following is an entry in ClinVar:

NM_020207.7(ERCC6L2):c.1777G>C (p.Val593Leu)

Gene: ERCC6L2 (ERCC excision repair 6 like 2; plus strand). Cytogenetic location: 9q22.32.
Variant type: single nucleotide variant.
Coding change: c.1777G>C on transcript NM_020207.7 (MANE Select); coding-DNA position 1777, G replaced by C.
Protein change: p.Val593Leu; replaces valine 593 with leucine.
Molecular consequence: missense variant. On other transcripts: non-coding transcript variant (1).
Genome position (GRCh38, 1-based): chr9:95,941,479, G>C. VCF-style: chr9-95941479-G-C. GRCh37 (hg19) VCF-style: chr9-98703761-G-C.
Other names: c.1777G>C, p.Val593Leu (NM_001010895.4, NM_001375291.1, NM_001375292.1 and 2 more transcripts); short protein forms V593L.
Identifiers: ClinVar variation 3509958 (VCV003509958.1).

ClinVar aggregate classification (germline): Uncertain significance (1 of 4 stars; one submission).

Conditions:
Inborn genetic diseases. Identifiers: MedGen C0950123, MeSH D030342.

Submission:

Ambry Genetics
Classification: Uncertain significance for Inborn genetic diseases. Last evaluated: 2024-11-18. Review status: criteria provided, single submitter. Criteria: Ambry Variant Classification Scheme 2023. Collection method: clinical testing. Allele origin: germline.
Comment: The p.V593L variant (also known as c.1777G>C), located in coding exon 12 of the ERCC6L2 gene, results from a G to C substitution at nucleotide position 1777. The valine at codon 593 is replaced by leucine, an amino acid with highly similar properties. This amino acid position is conserved. In addition, this alteration is predicted to be tolerated by in silico analysis. Based on the available evidence, the clinical significance of this variant remains unclear.